The following is an entry in ClinVar:

ClinVar aggregate classification (germline): Uncertain significance (1 of 4 stars; one submission).

Conditions:
Neurofibromatosis, type 1 (NF1). Also called: VON RECKLINGHAUSEN DISEASE; Peripheral type neurofibromatosis; NEUROFIBROMATOSIS, TYPE I, SOMATIC; Neurofibromatosis, type I. Identifiers: Orphanet 636, MedGen C0027831, MONDO:0018975, OMIM 162200. Disease mechanism: loss of function.

Submission:

Labcorp Genetics (formerly Invitae), Labcorp
Classification: Uncertain significance for Neurofibromatosis, type 1. Last evaluated: 2024-09-23. Review status: criteria provided, single submitter. Criteria: Invitae Variant Classification Sherloc (09022015). Collection method: clinical testing. Allele origin: germline.
Comment: This sequence change replaces alanine, which is neutral and non-polar, with threonine, which is neutral and polar, at codon 265 of the NF1 protein (p.Ala265Thr). This variant is not present in population databases (gnomAD no frequency). This variant has not been reported in the literature in individuals affected with NF1-related conditions. Invitae Evidence Modeling of protein sequence and biophysical properties (such as structural, functional, and spatial information, amino acid conservation, physicochemical variation, residue mobility, and thermodynamic stability) indicates that this missense variant is expected to disrupt NF1 protein function with a positive predictive value of 95%. In summary, the available evidence is currently insufficient to determine the role of this variant in disease. Therefore, it has been classified as a Variant of Uncertain Significance.

NM_001042492.3(NF1):c.793G>A (p.Ala265Thr)

Gene: NF1 (neurofibromin 1; plus strand). Cytogenetic location: 17q11.2.
Variant type: single nucleotide variant.
Coding change: c.793G>A on transcript NM_001042492.3 (MANE Select); coding-DNA position 793, G replaced by A.
Protein change: p.Ala265Thr; replaces alanine 265 with threonine.
Molecular consequence: missense variant.
Genome position (GRCh38, 1-based): chr17:31,182,570, G>A. VCF-style: chr17-31182570-G-A. GRCh37 (hg19) VCF-style: chr17-29509588-G-A.
Other names: c.793G>A, p.Ala265Thr (NM_000267.4, NM_001128147.3); short protein forms A265T.
Identifiers: ClinVar variation 3634490 (VCV003634490.2).